The following is an entry in ClinVar:

NM_000256.3(MYBPC3):c.3622C>T (p.Pro1208Ser)

Gene: MYBPC3 (myosin binding protein C3; minus strand). Cytogenetic location: 11p11.2.
Variant type: single nucleotide variant.
Coding change: c.3622C>T on transcript NM_000256.3 (MANE Select); coding-DNA position 3622, C replaced by T.
Protein change: p.Pro1208Ser; replaces proline 1208 with serine.
Molecular consequence: missense variant.
Genome position (GRCh38, 1-based): chr11:47,332,571, G>A on the plus strand (C>T on the coding strand, the complement: MYBPC3 is on the minus strand). VCF-style: chr11-47332571-G-A. GRCh37 (hg19) VCF-style: chr11-47354122-G-A.
Other names: short protein forms P1208S.
Identifiers: ClinVar variation 1183967 (VCV001183967.7), dbSNP rs2142849872, ClinGen allele CA380312186.

ClinVar aggregate classification (germline): Uncertain significance. Review status: criteria provided, single submitter (1 of 4 stars). 2 submissions from 2 submitters: Uncertain significance (1). 1 of the submissions does not count toward it. Last evaluated 2025-07-16.

Conditions:
Cardiomyopathy (CMYO). Also called: Cardiomyopathies. Identifiers: Orphanet 167848, MedGen C0878544, MONDO:0004994, HP:0001638. Inheritance: Various modes of inheritance.
Hypertrophic cardiomyopathy. Also called: HYPERTROPHIC MYOCARDIOPATHY. Identifiers: Orphanet 217569, MedGen C0007194, MeSH D002312, MONDO:0005045, HP:0001639.

Allele frequency attached by ClinVar (database versions not stated): gnomAD exomes below 0.00001.
gnomAD v4.1: 1 of 1,606,838 alleles (0.000062%); highest among the groups gnomAD compares: Non-Finnish European, 0.000085%; no homozygotes.

Submissions (2):

Labcorp Genetics (formerly Invitae), Labcorp
Classification: Uncertain significance for Hypertrophic cardiomyopathy. Last evaluated: 2025-07-16. Review status: criteria provided, single submitter. Criteria: Invitae Variant Classification Sherloc (09022015). Collection method: clinical testing. Allele origin: germline.
Comment: This sequence change replaces proline, which is neutral and non-polar, with serine, which is neutral and polar, at codon 1208 of the MYBPC3 protein (p.Pro1208Ser). This variant is not present in population databases (gnomAD no frequency). This variant has not been reported in the literature in individuals affected with MYBPC3-related conditions. ClinVar contains an entry for this variant (Variation ID: 1183967). An algorithm developed to predict the effect of missense changes on protein structure and function (PolyPhen-2) suggests that this variant is likely to be disruptive. In summary, the available evidence is currently insufficient to determine the role of this variant in disease. Therefore, it has been classified as a Variant of Uncertain Significance.

Institute of Human Genetics, University of Wuerzburg
Classification: Uncertain significance for Cardiomyopathy. Review status: no assertion criteria provided. Collection method: clinical testing. Allele origin: unknown. Not counted in ClinVar's aggregate classification.